The following is an entry in ClinVar:

NM_006567.5(FARS2):c.668G>C (p.Arg223Pro)

Gene: FARS2 (phenylalanyl-tRNA synthetase 2, mitochondrial; plus strand). Cytogenetic location: 6p25.1.
Variant type: single nucleotide variant.
Coding change: c.668G>C on transcript NM_006567.5 (MANE Select); coding-DNA position 668, G replaced by C.
Protein change: p.Arg223Pro; replaces arginine 223 with proline.
Molecular consequence: missense variant. On other transcripts: 5 prime UTR variant (2).
Genome position (GRCh38, 1-based): chr6:5,404,597, G>C. VCF-style: chr6-5404597-G-C. GRCh37 (hg19) VCF-style: chr6-5404830-G-C.
Other names: c.668G>C, p.Arg223Pro (NM_001318872.2, NM_001374875.1, NM_001374876.1 and 5 more transcripts); c.-29G>C (NM_001375259.1, NM_001375260.1); short protein forms R223P.
Identifiers: ClinVar variation 1418446 (VCV001418446.8), dbSNP rs770650914, ClinGen allele CA362735797.

ClinVar aggregate classification (germline): Uncertain significance (1 of 4 stars; one submission).

Conditions:
Combined oxidative phosphorylation defect type 14. Also called: Combined oxidative phosphorylation deficiency 14. Identifiers: Orphanet 319519, MedGen C4755312, MONDO:0013986, OMIM 614946.

gnomAD v4.1: 1 of 1,611,270 alleles (0.000062%); highest among the groups gnomAD compares: Admixed American, 0.0017%; no homozygotes.

Submission:

Labcorp Genetics (formerly Invitae), Labcorp
Classification: Uncertain significance for Combined oxidative phosphorylation defect type 14. Last evaluated: 2023-07-17. Review status: criteria provided, single submitter. Criteria: Invitae Variant Classification Sherloc (09022015). Collection method: clinical testing. Allele origin: germline.
Comment: ClinVar contains an entry for this variant (Variation ID: 1418446). This variant has not been reported in the literature in individuals affected with FARS2-related conditions. This variant is present in population databases (no rsID available, gnomAD 0.003%). This sequence change replaces arginine, which is basic and polar, with proline, which is neutral and non-polar, at codon 223 of the FARS2 protein (p.Arg223Pro). Advanced modeling of protein sequence and biophysical properties (such as structural, functional, and spatial information, amino acid conservation, physicochemical variation, residue mobility, and thermodynamic stability) performed at Invitae indicates that this missense variant is expected to disrupt FARS2 protein function. In summary, the available evidence is currently insufficient to determine the role of this variant in disease. Therefore, it has been classified as a Variant of Uncertain Significance.